The following is an entry in ClinVar:

ClinVar aggregate classification (germline): Likely benign (1 of 4 stars; one submission).

gnomAD v4.1: 2 of 1,605,988 alleles (0.00012%); highest among the groups gnomAD compares: Non-Finnish European, 0.000085%; no homozygotes.

Submission:

Mayo Clinic Laboratories, Mayo Clinic
Classification: Likely benign. Last evaluated: 2025-10-21. Review status: criteria provided, single submitter. Criteria: ACMG Guidelines, 2015. Collection method: clinical testing. Allele origin: germline. Observed: 1 variant allele.
Comment: BP4, BP7

NM_005502.4(ABCA1):c.1725C>T (p.Asp575=)

Gene: ABCA1 (ATP binding cassette subfamily A member 1; minus strand). Cytogenetic location: 9q31.1.
Variant type: single nucleotide variant.
Coding change: c.1725C>T on transcript NM_005502.4 (MANE Select); coding-DNA position 1725, C replaced by T.
Protein change: p.Asp575=; no amino-acid change (aspartic acid 575 retained).
Molecular consequence: synonymous variant.
Genome position (GRCh38, 1-based): chr9:104,831,092, G>A on the plus strand (C>T on the coding strand, the complement: ABCA1 is on the minus strand). VCF-style: chr9-104831092-G-A. GRCh37 (hg19) VCF-style: chr9-107593373-G-A.
Other names: p.Asp575=.
Identifiers: ClinVar variation 4683414 (VCV004683414.1).
Genomic context (GRCh38, chr9:104,831,092, plus strand): 5'-GTAGGCGAAGCCCCCCCAGACGTACCGCATGTCCTCAAAGGGGTCAGCTCGAGGACCAGG[G>A]TCCCAGTACCTAAAACCAAACCACAGGTAATCAACCATTCCTTTAGAACCATACAATAAA-3'
Protein context (NP_005493.2, residues 565-585): RTNKIKDGYW[Asp575=]PGPRADPFED